The following is an entry in ClinVar:

NM_000719.7(CACNA1C):c.3265C>T (p.Arg1089Cys)

Gene: CACNA1C (calcium voltage-gated channel subunit alpha1 C; plus strand). Cytogenetic location: 12p13.33.
Variant type: single nucleotide variant.
Coding change: c.3265C>T on transcript NM_000719.7 (MANE Select); coding-DNA position 3265, C replaced by T.
Protein change: p.Arg1089Cys; replaces arginine 1089 with cysteine.
Molecular consequence: missense variant.
Genome position (GRCh38, 1-based): chr12:2,607,039, C>T. VCF-style: chr12-2607039-C-T. GRCh37 (hg19) VCF-style: chr12-2716205-C-T.
Other names: c.3325C>T, p.Arg1109Cys (NM_001129827.2, NM_001129832.2, NM_199460.4); c.3265C>T, p.Arg1089Cys (NM_001129829.2, NM_001129830.3, NM_001129831.2 and 15 more transcripts); c.3256C>T, p.Arg1086Cys (NM_001129844.2); short protein forms R1086C, R1089C, R1109C.
Identifiers: ClinVar variation 1310713 (VCV001310713.6), dbSNP rs2075701336, ClinGen allele CA383374810.

ClinVar aggregate classification (germline): Uncertain significance. Review status: criteria provided, multiple submitters, no conflicts (2 of 4 stars). 2 submissions from 2 submitters: Uncertain significance (2). Last evaluated 2025-11-09.

Conditions:
Long QT syndrome (LQTS). Identifiers: MedGen C0023976, MeSH D008133, MONDO:0002442. Disease mechanism: loss of function. Inheritance: Various modes of inheritance.

Allele frequency attached by ClinVar (database versions not stated): gnomAD exomes below 0.00001; TOPMed below 0.00001.
gnomAD v4.1: 1 of 1,613,994 alleles (0.000062%); highest among the groups gnomAD compares: Middle Eastern, 0.016%; no homozygotes.

Submissions (2):

GeneDx
Classification: Uncertain significance. Last evaluated: 2025-11-09. Review status: criteria provided, single submitter. Criteria: GeneDx Variant Classification Process June 2021. Collection method: clinical testing. Allele origin: germline. Affected: yes.
Comment: Not observed at significant frequency in large population cohorts (gnomAD); In silico analysis supports that this missense variant has a deleterious effect on protein structure/function; Has not been previously published as pathogenic or benign to our knowledge

Labcorp Genetics (formerly Invitae), Labcorp
Classification: Uncertain significance for Long QT syndrome. Last evaluated: 2023-12-19. Review status: criteria provided, single submitter. Criteria: Invitae Variant Classification Sherloc (09022015). Collection method: clinical testing. Allele origin: germline.
Comment: This sequence change replaces arginine, which is basic and polar, with cysteine, which is neutral and slightly polar, at codon 1089 of the CACNA1C protein (p.Arg1089Cys). This variant is not present in population databases (gnomAD no frequency). This variant has not been reported in the literature in individuals affected with CACNA1C-related conditions. ClinVar contains an entry for this variant (Variation ID: 1310713). Advanced modeling of protein sequence and biophysical properties (such as structural, functional, and spatial information, amino acid conservation, physicochemical variation, residue mobility, and thermodynamic stability) performed at Invitae indicates that this missense variant is expected to disrupt CACNA1C protein function with a positive predictive value of 95%. In summary, the available evidence is currently insufficient to determine the role of this variant in disease. Therefore, it has been classified as a Variant of Uncertain Significance.